The following is an entry in ClinVar:

NM_001447.3(FAT2):c.9499G>C (p.Gly3167Arg)

Genes: FAT2 (FAT atypical cadherin 2; minus strand), SLC36A1 (solute carrier family 36 member 1; plus strand). Cytogenetic location: 5q33.1.
Variant type: single nucleotide variant.
Coding change: c.9499G>C on transcript NM_001447.3 (MANE Select); coding-DNA position 9499, G replaced by C.
Protein change: p.Gly3167Arg; replaces glycine 3167 with arginine.
Molecular consequence: missense variant.
Genome position (GRCh38, 1-based): chr5:151,531,899, C>G on the plus strand (G>C on the coding strand, the complement: FAT2 is on the minus strand). VCF-style: chr5-151531899-C-G. GRCh37 (hg19) VCF-style: chr5-150911460-C-G.
Other names: short protein forms G3167R.
Identifiers: ClinVar variation 2655953 (VCV002655953.24), dbSNP rs2127591846, ClinGen allele CA361827463.
Genomic context (GRCh38, chr5:151,531,899, plus strand): 5'-CCGTGAGCTCCAGTGGTGCCTGGGGCCTGACCTGCAGCGGCTTTTCCAGGCGGATCACCC[C>G]CGTGGTGGCGTCGATGGAAAAGTGGCCTTCGGCTGAATCCGGCAGAGAGTAAACCACCTG-3'
Protein context (NP_001438.1, residues 3157-3177): EGHFSIDATT[Gly3167Arg]VIRLEKPLQV

ClinVar aggregate classification (germline): Uncertain significance (1 of 4 stars; one submission).

Submission:

CeGaT Center for Human Genetics Tuebingen
Classification: Uncertain significance. Last evaluated: 2023-10-01. Review status: criteria provided, single submitter. Criteria: CeGaT Center For Human Genetics Tuebingen Variant Classification Criteria Version 2. Collection method: clinical testing. Allele origin: germline. Affected: yes. Observed: 1 variant allele.
Comment: FAT2: PM2